The following is an entry in ClinVar:

NM_058179.4(PSAT1):c.983A>C (p.Asn328Thr)

Gene: PSAT1 (phosphoserine aminotransferase 1; plus strand). Cytogenetic location: 9q21.2.
Variant type: single nucleotide variant.
Coding change: c.983A>C on transcript NM_058179.4 (MANE Select); coding-DNA position 983, A replaced by C.
Protein change: p.Asn328Thr; replaces asparagine 328 with threonine.
Molecular consequence: missense variant. On other transcripts: intron variant (1).
Genome position (GRCh38, 1-based): chr9:78,328,164, A>C. VCF-style: chr9-78328164-A-C. GRCh37 (hg19) VCF-style: chr9-80943080-A-C.
Other names: c.870-817A>C (NM_021154.5); short protein forms N328T.
Identifiers: ClinVar variation 5009159 (VCV005009159.1).

ClinVar aggregate classification (germline): Uncertain significance (1 of 4 stars; one submission).

gnomAD v4.1: 5 of 1,613,828 alleles (0.00031%); highest among the groups gnomAD compares: Non-Finnish European, 0.00042%; no homozygotes.

Submission:

GeneDx
Classification: Uncertain significance. Last evaluated: 2026-02-11. Review status: criteria provided, single submitter. Criteria: GeneDx Variant Classification Process June 2021. Collection method: clinical testing. Allele origin: germline.
Comment: Not observed at significant frequency in large population cohorts (gnomAD); In silico analysis supports that this missense variant has a deleterious effect on protein structure/function; Has not been previously published as pathogenic or benign to our knowledge